The following is an entry in ClinVar:

NM_172250.3(MMAA):c.562+2T>C

Gene: MMAA (metabolism of cobalamin associated A; plus strand). Cytogenetic location: 4q31.21.
Variant type: single nucleotide variant.
Coding change: c.562+2T>C on transcript NM_172250.3 (MANE Select); the canonical splice donor site of the intron after coding-DNA position 562, T replaced by C.
Molecular consequence: splice donor variant.
Genome position (GRCh38, 1-based): chr4:145,642,487, T>C. VCF-style: chr4-145642487-T-C. GRCh37 (hg19) VCF-style: chr4-146563639-T-C.
Other names: c.562+2T>C (NM_001375644.1).
Identifiers: ClinVar variation 2859417 (VCV002859417.4), dbSNP rs2546337573, ClinGen allele CA358355260.

ClinVar aggregate classification (germline): Likely pathogenic. Review status: criteria provided, multiple submitters, no conflicts (2 of 4 stars). 2 submissions from 2 submitters: Likely pathogenic (2). Last evaluated 2023-12-10.

Conditions:
Methylmalonic aciduria, cblA type (MACA). Also called: Vitamin B12-responsive methylmalonic acidemia type cblA; Methylmalonic aciduria, vitamin b12-responsive, due to defect in synthesis of adenosylcobalamin, cbla complementation type; MMA cbl A type; Methylmalonic acidemia cblA type; Methylmalonic aciduria, vitamin B12-responsive. Identifiers: Orphanet 28, Orphanet 79310, MedGen C1855109, MONDO:0009613, OMIM 251100.

Submissions (2):

Baylor Genetics
Classification: Likely pathogenic for Methylmalonic aciduria, cblA type. Last evaluated: 2023-12-10. Review status: criteria provided, single submitter. Criteria: ACMG Guidelines, 2015. Collection method: clinical testing. Allele origin: unknown.

Labcorp Genetics (formerly Invitae), Labcorp
Classification: Likely pathogenic for Methylmalonic aciduria, cblA type. Last evaluated: 2023-04-26. Review status: criteria provided, single submitter. Criteria: Invitae Variant Classification Sherloc (09022015). Collection method: clinical testing. Allele origin: germline.
Comment: In summary, the currently available evidence indicates that the variant is pathogenic, but additional data are needed to prove that conclusively. Therefore, this variant has been classified as Likely Pathogenic. Algorithms developed to predict the effect of sequence changes on RNA splicing suggest that this variant may disrupt the consensus splice site. This variant has not been reported in the literature in individuals affected with MMAA-related conditions. This variant is not present in population databases (gnomAD no frequency). This sequence change affects a donor splice site in intron 3 of the MMAA gene. It is expected to disrupt RNA splicing. Variants that disrupt the donor or acceptor splice site typically lead to a loss of protein function (PMID: 16199547), and loss-of-function variants in MMAA are known to be pathogenic (PMID: 15523652, 15781192).

Literature cited by the submitters: PubMed 16199547 (cited by Labcorp Genetics (formerly Invitae), Labcorp); PubMed 15523652 (cited by Labcorp Genetics (formerly Invitae), Labcorp); PubMed 15781192 (cited by Labcorp Genetics (formerly Invitae), Labcorp).